The following is an entry in ClinVar:

ClinVar aggregate classification (germline): Conflicting classifications of pathogenicity. Review status: criteria provided, conflicting classifications (1 of 4 stars). 2 submissions from 2 submitters: Uncertain significance (1); Likely benign (1). Last evaluated 2023-05-21.

Conditions:
Hereditary cancer-predisposing syndrome. Also called: Hereditary neoplastic syndrome; Neoplastic Syndromes, Hereditary; Tumor predisposition; Hereditary Cancer Syndrome. Identifiers: Orphanet 140162, MedGen C0027672, MeSH D009386, MONDO:0015356.

Allele frequency attached by ClinVar (database versions not stated): gnomAD exomes below 0.00001; TOPMed 0.00001.
gnomAD v4.1: 3 of 1,613,262 alleles (0.00019%); highest among the groups gnomAD compares: African/African-American, 0.0027%; no homozygotes.

Submissions (2):

Ambry Genetics
Classification: Likely benign for Hereditary cancer-predisposing syndrome. Last evaluated: 2023-05-21. Review status: criteria provided, single submitter. Criteria: Ambry Variant Classification Scheme 2023. Collection method: clinical testing. Allele origin: germline.

Labcorp Genetics (formerly Invitae), Labcorp
Classification: Uncertain significance. Last evaluated: 2021-05-17. Review status: criteria provided, single submitter. Criteria: Invitae Variant Classification Sherloc (09022015). Collection method: clinical testing. Allele origin: germline.
Comment: In summary, the available evidence is currently insufficient to determine the role of this variant in disease. Therefore, it has been classified as a Variant of Uncertain Significance. Algorithms developed to predict the effect of missense changes on protein structure and function output the following: SIFT: "Tolerated"; PolyPhen-2: "Benign"; Align-GVGD: "Class C0". The serine amino acid residue is found in multiple mammalian species, suggesting that this missense change does not adversely affect protein function. These predictions have not been confirmed by published functional studies and their clinical significance is uncertain. This variant has not been reported in the literature in individuals with NTHL1-related conditions. This variant is not present in population databases (ExAC no frequency). This sequence change replaces asparagine with serine at codon 104 of the NTHL1 protein (p.Asn104Ser). The asparagine residue is weakly conserved and there is a small physicochemical difference between asparagine and serine.

NM_002528.7(NTHL1):c.287A>G (p.Asn96Ser)

Gene: NTHL1 (nth like DNA glycosylase 1; minus strand). Cytogenetic location: 16p13.3.
Variant type: single nucleotide variant.
Coding change: c.287A>G on transcript NM_002528.7 (MANE Select); coding-DNA position 287, A replaced by G.
Protein change: p.Asn96Ser; replaces asparagine 96 with serine.
Molecular consequence: missense variant. On other transcripts: intron variant (1).
Genome position (GRCh38, 1-based): chr16:2,046,195, T>C on the plus strand (A>G on the coding strand, the complement: NTHL1 is on the minus strand). VCF-style: chr16-2046195-T-C. GRCh37 (hg19) VCF-style: chr16-2096196-T-C.
Other names: c.311A>G (NM_002528.5); c.287A>G, p.Asn96Ser (NM_001318193.2); c.24+85A>G (NM_001318194.2); short protein forms N96S.
Identifiers: ClinVar variation 947450 (VCV000947450.8), dbSNP rs1455998081, ClinGen allele CA394295638.